The following is an entry in ClinVar:

ClinVar aggregate classification (germline): Likely benign (0 of 4 stars; one submission).

Conditions:
MIR17HG-related disorder. Also called: MIR17HG-related condition.

Allele frequency attached by ClinVar (database versions not stated): 1000 Genomes Project 30x 0.00031.
gnomAD v4.1: 10 of 152,330 alleles (0.0066%); highest among the groups gnomAD compares: East Asian, 0.19%; no homozygotes.

Submission:

PreventionGenetics, part of Exact Sciences
Classification: Likely benign for MIR17HG-related condition. Last evaluated: 2023-01-03. Review status: no assertion criteria provided. Collection method: clinical testing. Allele origin: germline.
Comment: This variant is classified as likely benign based on ACMG/AMP sequence variant interpretation guidelines (Richards et al. 2015 PMID: 25741868, with internal and published modifications).

NR_027350.2(MIR17HG):n.3960A>G

Gene: MIR17HG (miR-17-92a-1 cluster host gene; plus strand). Cytogenetic location: 13q31.3.
Variant type: single nucleotide variant.
Genome position: GRCh38 VCF-style: chr13-91353384-A-G. GRCh37 (hg19) VCF-style: chr13-92005638-A-G.
Identifiers: ClinVar variation 3029569 (VCV003029569.2), dbSNP rs1200989960, ClinGen allele CA611649841.